The following is an entry in ClinVar:

NM_000435.3(NOTCH3):c.194G>A (p.Cys65Tyr)

Gene: NOTCH3 (notch receptor 3; minus strand). Cytogenetic location: 19p13.12.
Variant type: single nucleotide variant.
Coding change: c.194G>A on transcript NM_000435.3 (MANE Select); coding-DNA position 194, G replaced by A.
Protein change: p.Cys65Tyr; replaces cysteine 65 with tyrosine.
Molecular consequence: missense variant.
Genome position (GRCh38, 1-based): chr19:15,197,503, C>T on the plus strand (G>A on the coding strand, the complement: NOTCH3 is on the minus strand). VCF-style: chr19-15197503-C-T. GRCh37 (hg19) VCF-style: chr19-15308314-C-T.
Other names: c.194G>A (NM_000435.2); short protein forms C65Y.
Identifiers: ClinVar variation 1365706 (VCV001365706.17), dbSNP rs1555730176, ClinGen allele CA404483315.

ClinVar aggregate classification (germline): Pathogenic/Likely pathogenic. Review status: criteria provided, multiple submitters, no conflicts (2 of 4 stars). 7 submissions from 7 submitters: Pathogenic (4); Likely pathogenic (1). 2 of the submissions do not count toward it. Last evaluated 2025-04-30.

Conditions:
Cerebral autosomal dominant arteiopathy with subcortical infarcts and leukencephalopathy.
Cerebral arteriopathy, autosomal dominant, with subcortical infarcts and leukoencephalopathy, type 1 (CADASIL1). Also called: CASIL; CADASIL 1; Cerebral arteriopathy with subcortical infarcts and leukoencephalopathy 1; DEMENTIA, HEREDITARY MULTIINFARCT TYPE. Identifiers: Orphanet 136, MedGen C4551768, MONDO:0000914, OMIM 125310.
NOTCH3-related disorder. Also called: NOTCH3-related condition; NOTCH3-related disorders.

Submissions (7):

Dasa
Classification: Pathogenic for Cerebral autosomal dominant arteiopathy with subcortical infarcts and leukencephalopathy. Last evaluated: 2025-04-30. Review status: criteria provided, single submitter. Criteria: DASA Assertion Criteria. Collection method: clinical testing. Allele origin: germline.
Comment: NM_000435.3(NOTCH3):c.194G>A (p.Cys65Tyr) is a missense variant that results in the substitution of cysteine with tyrosine. The affected residue or protein region has prior evidence supporting clinical relevance. This variant has been recurrently observed in individuals with NOTCH3-related disorders (PMID: 19180562; PMID: 22367627; PMID: 23025651; PMID: 28991717; PMID: 29370179). Also, this variant is absent from population databases. Computational evidence supports a deleterious effect. Based on the currently available evidence, this variant is classified as pathogenic.

Women's Health and Genetics/Laboratory Corporation of America, LabCorp
Classification: Pathogenic for Cerebral arteriopathy, autosomal dominant, with subcortical infarcts and leukoencephalopathy, type 1. Last evaluated: 2024-12-03. Review status: criteria provided, single submitter. Criteria: LabCorp Variant Classification Summary - May 2015. Collection method: clinical testing. Allele origin: germline.
Comment: Variant summary: NOTCH3 c.194G>A (p.Cys65Tyr) results in a non-conservative amino acid change located in the EGF-like domain of the encoded protein sequence. Five of five in-silico tools predict a damaging effect of the variant on protein function. The variant was absent in 243168 control chromosomes. c.194G>A has been reported in the literature in individuals affected with Cerebral arteriopathy, autosomal dominant, with subcortical infarcts and leukoencephalopathy, type 1. These data indicate that the variant is likely to be associated with disease. To our knowledge, no experimental evidence demonstrating an impact on protein function has been reported. The following publications have been ascertained in the context of this evaluation (PMID: 25344745, 35641310, 32277177). ClinVar contains an entry for this variant (Variation ID: 1365706). Based on the evidence outlined above, the variant was classified as pathogenic.

ARUP Laboratories, Molecular Genetics and Genomics, ARUP Laboratories
Classification: Likely pathogenic. Last evaluated: 2024-02-19. Review status: criteria provided, single submitter. Criteria: ARUP Molecular Germline Variant Investigation Process 2024. Collection method: clinical testing. Allele origin: germline.
Comment: The NOTCH3 c.194G>A; p.Cys65Tyr variant (rs1555730176) is reported in the literature in several individuals affected with CADASIL (Kim 2020, Lackovic 2012, Mukai 2020, Rufa 2007). This variant is reported in ClinVar (Variation ID: 1365706). This variant is absent from the Genome Aggregation Database (v2.1.1), indicating it is not a common polymorphism. Computational analyses predict that this variant is deleterious (REVEL: 0.876). Additionally, another variant at this codon (c.194G>C; p.Cys65Ser) has been reported in individuals with CADASIL (Mukai 2020, Opherk 2004). Most pathogenic NOTCH3 variants occur in exons 2-24 and either create or destroy a cysteine residue within an EGF-like domain (Rutten 2014), and thus the p.Cys65Tyr variant is consistent with the predominant mechanism of disease in NOTCH3. Based on available information, this variant is considered to be likely pathogenic. References: Kim H et al. Clinical and imaging features of patients with cerebral autosomal dominant arteriopathy with subcortical infarcts and leukoencephalopathy and cysteine-sparing NOTCH3 mutations. PLoS One. 2020 Jun 18;15(6):e0234797. PMID: 32555735. Lackovic V et al. Skin and sural nerve biopsies: ultrastructural findings in the first genetically confirmed cases of CADASIL in Serbia. Ultrastruct Pathol. 2012 Oct;36(5):325-35. PMID: 23025651. Mukai M et al. Genotype-phenotype correlations and effect of mutation location in Japanese CADASIL patients. J Hum Genet. 2020 Aug;65(8):637-646. PMID: 32277177. Opherk C et al. Long-term prognosis and causes of death in CADASIL: a retrospective study in 411 patients. Brain. 2004 Nov;127(Pt 11):2533-9. PMID: 15364702. Rufa A et al. Cardiac autonomic nervous system and risk of arrhythmias in cerebral autosomal dominant arteriopathy with subcortical infarcts and leukoencephalopathy (CADASIL). Stroke. 2007 Feb;38(2):276-80. PMID: 17218610. Rutten JW et al. Interpretation of NOTCH3 mutations in the diagnosis of CADASIL. Expert Rev Mol Diagn. 2014 Jun;14(5):593-603. PMID: 24844136.

Labcorp Genetics (formerly Invitae), Labcorp
Classification: Pathogenic. Last evaluated: 2023-03-28. Review status: criteria provided, single submitter. Criteria: Invitae Variant Classification Sherloc (09022015). Collection method: clinical testing. Allele origin: germline.
Comment: For these reasons, this variant has been classified as Pathogenic. This variant disrupts the p.Cys65 amino acid residue in NOTCH3. Other variant(s) that disrupt this residue have been determined to be pathogenic (PMID: 15364702, 16009764, 21078731). This suggests that this residue is clinically significant, and that variants that disrupt this residue are likely to be disease-causing. Advanced modeling of protein sequence and biophysical properties (such as structural, functional, and spatial information, amino acid conservation, physicochemical variation, residue mobility, and thermodynamic stability) performed at Invitae indicates that this missense variant is expected to disrupt NOTCH3 protein function. ClinVar contains an entry for this variant (Variation ID: 1365706). This missense change has been observed in individuals with cerebral arteriopathy with subcortical infarcts and leukoencephalopathy (CADASIL) (PMID: 23025651; Invitae). This variant is not present in population databases (gnomAD no frequency). This sequence change replaces cysteine, which is neutral and slightly polar, with tyrosine, which is neutral and polar, at codon 65 of the NOTCH3 protein (p.Cys65Tyr).

Athena Diagnostics
Classification: Pathogenic. Last evaluated: 2022-04-01. Review status: criteria provided, single submitter. Criteria: Athena Diagnostics Criteria. Collection method: clinical testing. Allele origin: unknown.
Comment: This variant has been identified in at least one individual with clinical features of CADASIL. This variant has not been reported in large, multi-ethnic general populations. This variant alters a critical location within the protein, and is expected to severely affect function and cause disease. Greater than 90% of pathogenic variants identified in NOTCH3 involve the gain or loss of a cysteine residue within the epidermal growth factor (EGF)-like repeat domain.

PreventionGenetics, part of Exact Sciences
Classification: Pathogenic for NOTCH3-related condition. Last evaluated: 2024-02-07. Review status: no assertion criteria provided. Collection method: clinical testing. Allele origin: germline. Not counted in ClinVar's aggregate classification.
Comment: The NOTCH3 c.194G>A variant is predicted to result in the amino acid substitution p.Cys65Tyr. This variant was reported in individuals with CADASIL (Lackovic et al. 2012. PubMed ID: 23025651; Mukai et al. 2020. PubMed ID: 32277177). This variant has not been reported in a large population database, indicating this variant is rare. Most CADASIL causing variants in the NOTCH3 gene result in the gain or loss of one or more cysteine residues in the extracellular domain of the protein, as seen in this patient. This patient’s variant alters a cysteine residue and is located in the extracellular EGF-like domain one. Pathogenic variants in EGF-like domains 1-6 appear to be fully penetrant and are usually associated with the classical CADASIL phenotype; however, there is variability in disease severity (OMIM #125310; Rutten et al. 2016. PubMed ID: 27844030; Rutten et al. 2019. PubMed ID: 30032161). This variant is interpreted as pathogenic.

Clinical Genetics Laboratory, University Hospital Schleswig-Holstein
Classification: Pathogenic for Cerebral arteriopathy, autosomal dominant, with subcortical infarcts and leukoencephalopathy, type 1. Last evaluated: 2022-02-01. Review status: no assertion criteria provided. Collection method: clinical testing. Allele origin: germline. Affected: yes. Not counted in ClinVar's aggregate classification.

Literature cited by the submitters: PubMed 19180562 (cited by Dasa and Athena Diagnostics); PubMed 22367627 (cited by Dasa); PubMed 23025651 (cited by 3 submitters); PubMed 28991717 (cited by Dasa); PubMed 29370179 (cited by Dasa); PubMed 30956055 (cited by Dasa and Athena Diagnostics); PubMed 32277177 (cited by 3 submitters); PubMed 21078731 (cited by Dasa and Labcorp Genetics (formerly Invitae), Labcorp); PubMed 15364702 (cited by Dasa and Labcorp Genetics (formerly Invitae), Labcorp); PubMed 25344745 (cited by Women's Health and Genetics/Laboratory Corporation of America, LabCorp); PubMed 35641310 (cited by Women's Health and Genetics/Laboratory Corporation of America, LabCorp); PubMed 16009764 (cited by Labcorp Genetics (formerly Invitae), Labcorp); PubMed 17218610 (cited by Athena Diagnostics); PubMed 18386331 (cited by Athena Diagnostics); PubMed 18803652 (cited by Athena Diagnostics); PubMed 19080749 (cited by Athena Diagnostics).